The following is an entry in ClinVar:

ClinVar aggregate classification (germline): Likely benign. Review status: criteria provided, multiple submitters, no conflicts (2 of 4 stars). 4 submissions from 4 submitters: Likely benign (3). 1 of the submissions does not count toward it. Last evaluated 2025-12-17.

Conditions:
ADAR-related disorder. Also called: ADAR-related condition; ADAR-related disorders.
Symmetrical dyschromatosis of extremities (DSH). Also called: RETICULATE ACROPIGMENTATION OF DOHI; SYMMETRIC DYSCHROMATOSIS OF THE EXTREMITIES; DYSCHROMATOSIS SYMMETRICA HEREDITARIA 1; Dyschromatosis symmetrica hereditaria. Identifiers: Orphanet 41, MedGen C0406775, MONDO:0007483, OMIM 127400.
Aicardi-Goutieres syndrome 6 (AGS6). Identifiers: Orphanet 51, MedGen C3539013, MONDO:0014007, OMIM 615010.

Allele frequency attached by ClinVar (database versions not stated): ExAC 0.00003; gnomAD exomes 0.00003 and 0.00004; gnomAD 0.00004 and 0.00005; TOPMed 0.00005.
gnomAD v4.1: 51 of 1,613,990 alleles (0.0032%); highest among the groups gnomAD compares: Admixed American, 0.012%; no homozygotes.

Submissions (4):

Labcorp Genetics (formerly Invitae), Labcorp
Classification: Likely benign for Aicardi-Goutieres syndrome 6; Symmetrical dyschromatosis of extremities. Last evaluated: 2025-12-17. Review status: criteria provided, single submitter. Criteria: Invitae Variant Classification Sherloc (09022015). Collection method: clinical testing. Allele origin: germline.

Blueprint Genetics
Classification: Likely benign. Last evaluated: 2024-09-20. Review status: criteria provided, single submitter. Criteria: ACMG Guidelines, 2015. Collection method: clinical testing. Allele origin: germline.

Breakthrough Genomics
Classification: Likely benign. Review status: criteria provided, single submitter. Criteria: ACMG Guidelines, 2015. Collection method: not provided. Allele origin: germline. Inheritance: Autosomal recessive inheritance. Affected: yes.

PreventionGenetics, part of Exact Sciences
Classification: Likely benign for ADAR-related condition. Last evaluated: 2019-07-02. Review status: no assertion criteria provided. Collection method: clinical testing. Allele origin: germline. Not counted in ClinVar's aggregate classification.
Comment: This variant is classified as likely benign based on ACMG/AMP sequence variant interpretation guidelines (Richards et al. 2015 PMID: 25741868, with internal and published modifications).

NM_001111.5(ADAR):c.3199T>C (p.Leu1067=)

Gene: ADAR (adenosine deaminase RNA specific; minus strand). Cytogenetic location: 1q21.3.
Variant type: single nucleotide variant.
Coding change: c.3199T>C on transcript NM_001111.5 (MANE Select); coding-DNA position 3199, T replaced by C.
Protein change: p.Leu1067=; no amino-acid change (leucine 1067 retained).
Molecular consequence: synonymous variant.
Genome position (GRCh38, 1-based): chr1:154,586,184, A>G on the plus strand (T>C on the coding strand, the complement: ADAR is on the minus strand). VCF-style: chr1-154586184-A-G. GRCh37 (hg19) VCF-style: chr1-154558660-A-G.
Other names: c.2314T>C, p.Leu772= (NM_001025107.3, NM_001193495.2, NM_001365046.1 and 2 more transcripts); c.3226T>C, p.Leu1076= (NM_001365045.1); c.2236T>C, p.Leu746= (NM_001365049.1); c.3121T>C, p.Leu1041= (NM_015840.4); c.3064T>C, p.Leu1022= (NM_015841.4); c.3199T>C (NM_001111.4).
Identifiers: ClinVar variation 1095956 (VCV001095956.13), dbSNP rs758120128, ClinGen allele CA1131036.
Genomic context (GRCh38, chr1:154,586,184, plus strand): 5'-TGGGATCTGGGCACAAGAAGGACAGACCAGTTCCAGATCCCAAGGCAGGCCCCTTACCCA[A>G]TGTGACAGATTTGAGATAAATGGGCTGCAGGAAGTGGGTCAACAGTGCCCCTTGCAGGCC-3'
Protein context (NP_001102.3, residues 1057-1077): LQPIYLKSVT[Leu1067=]GYLFSQGHLT